The following is an entry in ClinVar:

NM_001370298.3(FGD4):c.1814G>A (p.Arg605Gln)

Gene: FGD4 (FYVE, RhoGEF and PH domain containing 4; plus strand). Cytogenetic location: 12p11.21.
Variant type: single nucleotide variant.
Coding change: c.1814G>A on transcript NM_001370298.3 (MANE Select); coding-DNA position 1814, G replaced by A.
Protein change: p.Arg605Gln; replaces arginine 605 with glutamine.
Molecular consequence: missense variant.
Genome position (GRCh38, 1-based): chr12:32,619,762, G>A. VCF-style: chr12-32619762-G-A. GRCh37 (hg19) VCF-style: chr12-32772696-G-A.
Other names: c.1658G>A, p.Arg553Gln (NM_001304481.2); c.659G>A, p.Arg220Gln (NM_001304483.2); c.371G>A, p.Arg124Gln (NM_001304484.2); c.1124G>A, p.Arg375Gln (NM_001330373.2, NM_001330374.2, NM_001384130.1); c.851G>A, p.Arg284Gln (NM_001370297.1); c.1814G>A, p.Arg605Gln (NM_001384126.1); c.1403G>A, p.Arg468Gln (NM_001384127.1, NM_001384128.1, NM_001385118.1 and 1 more transcripts); short protein forms R124Q, R220Q, R553Q, R284Q, R375Q, R468Q, R605Q.
Identifiers: ClinVar variation 1989738 (VCV001989738.1), dbSNP rs779572971, ClinGen allele CA6506886.

ClinVar aggregate classification (germline): Uncertain significance (1 of 4 stars; one submission).

Conditions:
Charcot-Marie-Tooth disease type 4. Also called: Charcot-Marie-Tooth disease, type IV; Charcot-Marie-Tooth, Type 4. Identifiers: Orphanet 64749, MedGen C4082197, MONDO:0018995.

Allele frequency attached by ClinVar (database versions not stated): ExAC 0.00001; gnomAD 0.00001.
gnomAD v4.1: 6 of 1,613,944 alleles (0.00037%); highest among the groups gnomAD compares: Non-Finnish European, 0.00042%; no homozygotes.

Submission:

Labcorp Genetics (formerly Invitae), Labcorp
Classification: Uncertain significance for Charcot-Marie-Tooth disease type 4. Last evaluated: 2022-05-18. Review status: criteria provided, single submitter. Criteria: Invitae Variant Classification Sherloc (09022015). Collection method: clinical testing. Allele origin: germline.
Comment: This sequence change replaces arginine, which is basic and polar, with glutamine, which is neutral and polar, at codon 468 of the FGD4 protein (p.Arg468Gln). This variant is present in population databases (rs779572971, gnomAD 0.002%). This missense change has been observed in individual(s) with autosomal recessive Charcot-Marie-Tooth disease (PMID: 26400421). In at least one individual the data is consistent with being in trans (on the opposite chromosome) from a pathogenic variant. Algorithms developed to predict the effect of missense changes on protein structure and function are either unavailable or do not agree on the potential impact of this missense change (SIFT: "Deleterious"; PolyPhen-2: "Benign"; Align-GVGD: "Class C35"). In summary, the available evidence is currently insufficient to determine the role of this variant in disease. Therefore, it has been classified as a Variant of Uncertain Significance.

Literature cited by the submitters: PubMed 26400421.